The following is an entry in ClinVar:

NM_005121.3(MED13):c.5165G>C (p.Cys1722Ser)

Gene: MED13 (mediator complex subunit 13; minus strand). Cytogenetic location: 17q23.2.
Variant type: single nucleotide variant.
Coding change: c.5165G>C on transcript NM_005121.3 (MANE Select); coding-DNA position 5165, G replaced by C.
Protein change: p.Cys1722Ser; replaces cysteine 1722 with serine.
Molecular consequence: missense variant.
Genome position (GRCh38, 1-based): chr17:61,961,679, C>G on the plus strand (G>C on the coding strand, the complement: MED13 is on the minus strand). VCF-style: chr17-61961679-C-G. GRCh37 (hg19) VCF-style: chr17-60039040-C-G.
Other names: short protein forms C1722S.
Identifiers: ClinVar variation 3026590 (VCV003026590.22), dbSNP rs1302776081, ClinGen allele CA400511277.

ClinVar aggregate classification (germline): Uncertain significance (1 of 4 stars; one submission).

Submission:

CeGaT Center for Human Genetics Tuebingen
Classification: Uncertain significance. Last evaluated: 2023-12-01. Review status: criteria provided, single submitter. Criteria: CeGaT Center For Human Genetics Tuebingen Variant Classification Criteria Version 2. Collection method: clinical testing. Allele origin: germline. Affected: yes. Observed: 1 variant allele.
Comment: MED13: PM2, PP3